The following is an entry in ClinVar:

NM_002292.4(LAMB2):c.2092A>C (p.Thr698Pro)

Gene: LAMB2 (laminin subunit beta 2; minus strand). Cytogenetic location: 3p21.31.
Variant type: single nucleotide variant.
Coding change: c.2092A>C on transcript NM_002292.4 (MANE Select); coding-DNA position 2092, A replaced by C.
Protein change: p.Thr698Pro; replaces threonine 698 with proline.
Molecular consequence: missense variant.
Genome position (GRCh38, 1-based): chr3:49,126,424, T>G on the plus strand (A>C on the coding strand, the complement: LAMB2 is on the minus strand). VCF-style: chr3-49126424-T-G. GRCh37 (hg19) VCF-style: chr3-49163857-T-G.
Other names: short protein forms T698P.
Identifiers: ClinVar variation 951850 (VCV000951850.8), dbSNP rs369063535, ClinGen allele CA352727606.

ClinVar aggregate classification (germline): Uncertain significance. Review status: criteria provided, multiple submitters, no conflicts (2 of 4 stars). 2 submissions from 2 submitters: Uncertain significance (2). Last evaluated 2022-06-04.

Conditions:
Pierson syndrome. Also called: MICROCORIA-CONGENITAL NEPHROTIC SYNDROME. Identifiers: Orphanet 2670, MedGen C1836876, MONDO:0012184, OMIM 609049.
LAMB2-related infantile-onset nephrotic syndrome. Also called: Nephrotic Syndrome, type 5; NEPHROTIC SYNDROME, TYPE 5, WITHOUT OCULAR ABNORMALITIES; NEPHROTIC SYNDROME, TYPE 5, WITH OCULAR ABNORMALITIES. Identifiers: Orphanet 306507, MedGen C3280113, MONDO:0013621, OMIM 614199.

Submissions (2):

Labcorp Genetics (formerly Invitae), Labcorp
Classification: Uncertain significance for LAMB2-related infantile-onset nephrotic syndrome; Pierson syndrome. Last evaluated: 2022-06-04. Review status: criteria provided, single submitter. Criteria: Invitae Variant Classification Sherloc (09022015). Collection method: clinical testing. Allele origin: germline.
Comment: In summary, the available evidence is currently insufficient to determine the role of this variant in disease. Therefore, it has been classified as a Variant of Uncertain Significance. Algorithms developed to predict the effect of missense changes on protein structure and function are either unavailable or do not agree on the potential impact of this missense change (SIFT: "Deleterious"; PolyPhen-2: "Benign"; Align-GVGD: "Class C0"). ClinVar contains an entry for this variant (Variation ID: 951850). This variant has not been reported in the literature in individuals affected with LAMB2-related conditions. This variant is not present in population databases (gnomAD no frequency). This sequence change replaces threonine, which is neutral and polar, with proline, which is neutral and non-polar, at codon 698 of the LAMB2 protein (p.Thr698Pro).

Fulgent Genetics
Classification: Uncertain significance for Pierson syndrome; LAMB2-related infantile-onset nephrotic syndrome. Last evaluated: 2021-09-13. Review status: criteria provided, single submitter. Criteria: ACMG Guidelines, 2015. Collection method: clinical testing. Allele origin: unknown.